The following is an entry in ClinVar:

NM_017763.6(RNF43):c.793A>T (p.Ser265Cys)

Gene: RNF43 (ring finger protein 43; minus strand). Cytogenetic location: 17q22.
Variant type: single nucleotide variant.
Coding change: c.793A>T on transcript NM_017763.6 (MANE Select); coding-DNA position 793, A replaced by T.
Protein change: p.Ser265Cys; replaces serine 265 with cysteine.
Molecular consequence: missense variant.
Genome position (GRCh38, 1-based): chr17:58,360,839, T>A on the plus strand (A>T on the coding strand, the complement: RNF43 is on the minus strand). VCF-style: chr17-58360839-T-A. GRCh37 (hg19) VCF-style: chr17-56438200-T-A.
Other names: c.793A>T (NM_017763.4); c.793A>T, p.Ser265Cys (NM_001305544.3); c.412A>T, p.Ser138Cys (NM_001305545.2); short protein forms S265C, S138C.
Identifiers: ClinVar variation 3653297 (VCV003653297.3).

ClinVar aggregate classification (germline): Uncertain significance. Review status: criteria provided, multiple submitters, no conflicts (2 of 4 stars). 2 submissions from 2 submitters: Uncertain significance (2). Last evaluated 2026-06-03.

Submissions (2):

Ambry Genetics
Classification: Uncertain significance. Last evaluated: 2026-06-03. Review status: criteria provided, single submitter. Criteria: Ambry Variant Classification Scheme 2023. Collection method: clinical testing. Allele origin: germline.
Comment: The p.S265C variant (also known as c.793A>T), located in coding exon 6 of the RNF43 gene, results from an A to T substitution at nucleotide position 793. The serine at codon 265 is replaced by cysteine, an amino acid with dissimilar properties. This amino acid position is conserved. In addition, this alteration is predicted to be tolerated by in silico analysis. Based on the available evidence, the clinical significance of this variant remains unclear.

Labcorp Genetics (formerly Invitae), Labcorp
Classification: Uncertain significance. Last evaluated: 2024-05-14. Review status: criteria provided, single submitter. Criteria: Invitae Variant Classification Sherloc (09022015). Collection method: clinical testing. Allele origin: germline.
Comment: This sequence change replaces serine, which is neutral and polar, with cysteine, which is neutral and slightly polar, at codon 265 of the RNF43 protein (p.Ser265Cys). This variant is not present in population databases (gnomAD no frequency). This variant has not been reported in the literature in individuals affected with RNF43-related conditions. An algorithm developed to predict the effect of missense changes on protein structure and function (PolyPhen-2) suggests that this variant is likely to be disruptive. In summary, the available evidence is currently insufficient to determine the role of this variant in disease. Therefore, it has been classified as a Variant of Uncertain Significance.